The following is an entry in ClinVar:

NM_015474.4(SAMHD1):c.728A>C (p.His243Pro)

Gene: SAMHD1 (SAM and HD domain containing deoxynucleoside triphosphate triphosphohydrolase 1; minus strand). Cytogenetic location: 20q11.23.
Variant type: single nucleotide variant.
Coding change: c.728A>C on transcript NM_015474.4 (MANE Select); coding-DNA position 728, A replaced by C.
Protein change: p.His243Pro; replaces histidine 243 with proline.
Molecular consequence: missense variant.
Genome position (GRCh38, 1-based): chr20:36,919,488, T>G on the plus strand (A>C on the coding strand, the complement: SAMHD1 is on the minus strand). VCF-style: chr20-36919488-T-G. GRCh37 (hg19) VCF-style: chr20-35547891-T-G.
Other names: c.728A>C, p.His243Pro (NM_001363729.2, NM_001363733.2); short protein forms H243P.
Identifiers: ClinVar variation 649943 (VCV000649943.6), dbSNP rs757614478, ClinGen allele CA9844653.

ClinVar aggregate classification (germline): Uncertain significance (1 of 4 stars; one submission).

Conditions:
Aicardi-Goutieres syndrome 5. Identifiers: Orphanet 51, MedGen C2749659, MONDO:0013059, OMIM 612952.

Allele frequency attached by ClinVar (database versions not stated): gnomAD 0.00001; gnomAD exomes 0.00001; ExAC 0.00002.
gnomAD v4.1: 6 of 1,613,508 alleles (0.00037%); highest among the groups gnomAD compares: Non-Finnish European, 0.00051%; no homozygotes.

Submission:

Labcorp Genetics (formerly Invitae), Labcorp
Classification: Uncertain significance for Aicardi-Goutieres syndrome 5. Last evaluated: 2021-09-02. Review status: criteria provided, single submitter. Criteria: Invitae Variant Classification Sherloc (09022015). Collection method: clinical testing. Allele origin: germline.
Comment: This sequence change replaces histidine with proline at codon 243 of the SAMHD1 protein (p.His243Pro). The histidine residue is highly conserved and there is a moderate physicochemical difference between histidine and proline. This variant is present in population databases (rs757614478, ExAC 0.003%). This variant has not been reported in the literature in individuals affected with SAMHD1-related conditions. Algorithms developed to predict the effect of missense changes on protein structure and function are either unavailable or do not agree on the potential impact of this missense change (SIFT: "Tolerated"; PolyPhen-2: "Possibly Damaging"; Align-GVGD: "Class C25"). In summary, the available evidence is currently insufficient to determine the role of this variant in disease. Therefore, it has been classified as a Variant of Uncertain Significance.